The following is an entry in ClinVar:

NM_015213.4(DENND5A):c.2627A>G (p.Glu876Gly)

Gene: DENND5A (DENN domain containing 5A; minus strand). Cytogenetic location: 11p15.4.
Variant type: single nucleotide variant.
Coding change: c.2627A>G on transcript NM_015213.4 (MANE Select); coding-DNA position 2627, A replaced by G.
Protein change: p.Glu876Gly; replaces glutamic acid 876 with glycine.
Molecular consequence: missense variant. On other transcripts: non-coding transcript variant (1).
Genome position (GRCh38, 1-based): chr11:9,150,189, T>C on the plus strand (A>G on the coding strand, the complement: DENND5A is on the minus strand). VCF-style: chr11-9150189-T-C. GRCh37 (hg19) VCF-style: chr11-9171736-T-C.
Other names: c.2627A>G, p.Glu876Gly (NM_001243254.2, NM_001348748.1); c.2555A>G, p.Glu852Gly (NM_001348749.2); c.2339A>G, p.Glu780Gly (NM_001348750.2); short protein forms E780G, E852G, E876G.
Identifiers: ClinVar variation 1963009 (VCV001963009.5), dbSNP rs2493741324, ClinGen allele CA379605689.

ClinVar aggregate classification (germline): Uncertain significance (1 of 4 stars; one submission).

Submission:

Labcorp Genetics (formerly Invitae), Labcorp
Classification: Uncertain significance. Last evaluated: 2022-01-05. Review status: criteria provided, single submitter. Criteria: Invitae Variant Classification Sherloc (09022015). Collection method: clinical testing. Allele origin: germline.
Comment: This sequence change replaces glutamic acid, which is acidic and polar, with glycine, which is neutral and non-polar, at codon 876 of the DENND5A protein (p.Glu876Gly). This variant is not present in population databases (gnomAD no frequency). This variant has not been reported in the literature in individuals affected with DENND5A-related conditions. Algorithms developed to predict the effect of missense changes on protein structure and function are either unavailable or do not agree on the potential impact of this missense change (SIFT: "Deleterious"; PolyPhen-2: "Possibly Damaging"; Align-GVGD: "Class C0"). In summary, the available evidence is currently insufficient to determine the role of this variant in disease. Therefore, it has been classified as a Variant of Uncertain Significance.